The following is an entry in ClinVar:

ClinVar aggregate classification (germline): Uncertain significance (1 of 4 stars; one submission).

Conditions:
Catecholaminergic polymorphic ventricular tachycardia 1. Also called: VENTRICULAR TACHYCARDIA, CATECHOLAMINERGIC POLYMORPHIC, 1, WITH OR WITHOUT ATRIAL DYSFUNCTION AND/OR DILATED CARDIOMYOPATHY; RYR2-Related Catecholaminergic Polymorphic Ventricular Tachycardia; VENTRICULAR TACHYCARDIA, STRESS-INDUCED POLYMORPHIC 1. Identifiers: Orphanet 3286, MedGen C1631597, MONDO:0011484, OMIM 604772.

Allele frequency attached by ClinVar (database versions not stated): gnomAD exomes below 0.00001.
gnomAD v4.1: 1 of 1,603,848 alleles (0.000062%); highest among the groups gnomAD compares: Admixed American, 0.0017%; no homozygotes.

Submission:

Labcorp Genetics (formerly Invitae), Labcorp
Classification: Uncertain significance for Catecholaminergic polymorphic ventricular tachycardia 1. Last evaluated: 2021-08-02. Review status: criteria provided, single submitter. Criteria: Invitae Variant Classification Sherloc (09022015). Collection method: clinical testing. Allele origin: germline.
Comment: Advanced modeling of protein sequence and biophysical properties (such as structural, functional, and spatial information, amino acid conservation, physicochemical variation, residue mobility, and thermodynamic stability) performed at Invitae indicates that this missense variant is not expected to disrupt RYR2 protein function. This sequence change replaces lysine with threonine at codon 4454 of the RYR2 protein (p.Lys4454Thr). The lysine residue is highly conserved and there is a moderate physicochemical difference between lysine and threonine. This variant is not present in population databases (ExAC no frequency). This variant has not been reported in the literature in individuals affected with RYR2-related conditions. In summary, the available evidence is currently insufficient to determine the role of this variant in disease. Therefore, it has been classified as a Variant of Uncertain Significance.

NM_001035.3(RYR2):c.13361A>C (p.Lys4454Thr)

Gene: RYR2 (ryanodine receptor 2; plus strand). Cytogenetic location: 1q43.
Variant type: single nucleotide variant.
Coding change: c.13361A>C on transcript NM_001035.3 (MANE Select); coding-DNA position 13361, A replaced by C.
Protein change: p.Lys4454Thr; replaces lysine 4454 with threonine.
Molecular consequence: missense variant.
Genome position (GRCh38, 1-based): chr1:237,788,020, A>C. VCF-style: chr1-237788020-A-C. GRCh37 (hg19) VCF-style: chr1-237951320-A-C.
Other names: short protein forms K4454T.
Identifiers: ClinVar variation 1481406 (VCV001481406.7), dbSNP rs1485986182, ClinGen allele CA345416422.